The following is an entry in ClinVar:

NM_000433.4(NCF2):c.873C>A (p.Cys291Ter)

Gene: NCF2 (neutrophil cytosolic factor 2; minus strand). Cytogenetic location: 1q25.3.
Variant type: single nucleotide variant.
Coding change: c.873C>A on transcript NM_000433.4 (MANE Select); coding-DNA position 873, C replaced by A.
Protein change: p.Cys291Ter; replaces cysteine 291 with a stop codon.
Molecular consequence: nonsense.
Genome position (GRCh38, 1-based): chr1:183,566,971, G>T on the plus strand (C>A on the coding strand, the complement: NCF2 is on the minus strand). VCF-style: chr1-183566971-G-T. GRCh37 (hg19) VCF-style: chr1-183536106-G-T.
Other names: c.873C>A, p.Cys291Ter (NM_001127651.3); c.630C>A, p.Cys210Ter (NM_001190789.2); c.738C>A, p.Cys246Ter (NM_001190794.2); c.765C>A, p.Cys255Ter (NM_001410895.1); short protein forms C210*, C246*, C255*, C291*.
Identifiers: ClinVar variation 2842274 (VCV002842274.3), dbSNP rs1672328940, ClinGen allele CA343671793.
Genomic context (GRCh38, chr1:183,566,971, plus strand): 5'-TCACATTACCTGGGGCTGCTGCTGAGGGTGGATCCGCAGCTCAACTGGTTCAAGGTAGTT[G>T]CAGGGAACAAGCCCCTTCTGCAGTGCAGCACCACAGAATCAGAAAGGAAAAAATAAAGAT-3'

ClinVar aggregate classification (germline): Pathogenic (1 of 4 stars; one submission).

Conditions:
Granulomatous disease, chronic, autosomal recessive, cytochrome b-positive, type 2. Also called: GRANULOMATOUS DISEASE, CHRONIC, AUTOSOMAL RECESSIVE, 2; Chronic granulomatous disease due to deficiency of NCF-2; Chronic Granulomatous Disease, Autosomal Recessive, Cytochrome b-Positive, Type II; CGD, AUTOSOMAL RECESSIVE CYTOCHROME b-POSITIVE, TYPE II; GRANULOMATOUS DISEASE, CHRONIC, DUE TO NCF2 DEFICIENCY. Identifiers: Orphanet 379, MedGen C1856245, MONDO:0009310, OMIM 233710.

Submission:

Labcorp Genetics (formerly Invitae), Labcorp
Classification: Pathogenic for Granulomatous disease, chronic, autosomal recessive, cytochrome b-positive, type 2. Last evaluated: 2023-08-29. Review status: criteria provided, single submitter. Criteria: Invitae Variant Classification Sherloc (09022015). Collection method: clinical testing. Allele origin: germline.
Comment: This variant has not been reported in the literature in individuals affected with NCF2-related conditions. This variant is not present in population databases (gnomAD no frequency). This sequence change creates a premature translational stop signal (p.Cys291*) in the NCF2 gene. It is expected to result in an absent or disrupted protein product. Loss-of-function variants in NCF2 are known to be pathogenic (PMID: 10498624, 20167518). For these reasons, this variant has been classified as Pathogenic.

Literature cited by the submitters: PubMed 10498624; PubMed 20167518.